The following is an entry in ClinVar:

ClinVar aggregate classification (germline): Uncertain significance (1 of 4 stars; one submission).

Conditions:
Multiple acyl-CoA dehydrogenase deficiency (MADD). Also called: Glutaric aciduria, type 2; Glutaric acidemia type II; GA 2; ETHYLMALONIC-ADIPICACIDURIA; GA II; Glutaric Acidemia type 2. Identifiers: Orphanet 26791, MedGen C0268596, MONDO:0009282, OMIM 231680.

Submission:

Labcorp Genetics (formerly Invitae), Labcorp
Classification: Uncertain significance for Multiple acyl-CoA dehydrogenase deficiency. Last evaluated: 2022-08-19. Review status: criteria provided, single submitter. Criteria: Invitae Variant Classification Sherloc (09022015). Collection method: clinical testing. Allele origin: germline.
Comment: This sequence change replaces lysine, which is basic and polar, with arginine, which is basic and polar, at codon 204 of the ETFB protein (p.Lys204Arg). This variant is not present in population databases (gnomAD no frequency). This variant has not been reported in the literature in individuals affected with ETFB-related conditions. Algorithms developed to predict the effect of missense changes on protein structure and function are either unavailable or do not agree on the potential impact of this missense change (SIFT: "Deleterious"; PolyPhen-2: "Benign"; Align-GVGD: "Class C25"). In summary, the available evidence is currently insufficient to determine the role of this variant in disease. Therefore, it has been classified as a Variant of Uncertain Significance.

NM_001985.3(ETFB):c.611A>G (p.Lys204Arg)

Gene: ETFB (electron transfer flavoprotein subunit beta; minus strand). Cytogenetic location: 19q13.41.
Variant type: single nucleotide variant.
Coding change: c.611A>G on transcript NM_001985.3 (MANE Select); coding-DNA position 611, A replaced by G.
Protein change: p.Lys204Arg; replaces lysine 204 with arginine.
Molecular consequence: missense variant.
Genome position (GRCh38, 1-based): chr19:51,345,368, T>C on the plus strand (A>G on the coding strand, the complement: ETFB is on the minus strand). VCF-style: chr19-51345368-T-C. GRCh37 (hg19) VCF-style: chr19-51848622-T-C.
Other names: c.884A>G, p.Lys295Arg (NM_001014763.1); short protein forms K204R, K295R.
Identifiers: ClinVar variation 1716935 (VCV001716935.3), dbSNP rs2514141202, ClinGen allele CA407080889.